The following is an entry in ClinVar:

NM_005876.5(SPEG):c.7091G>A (p.Arg2364His)

Genes: ASIC4-AS1 (ASIC4 antisense RNA 1; minus strand), SPEG (striated muscle enriched protein kinase; plus strand). Cytogenetic location: 2q35.
Variant type: single nucleotide variant.
Coding change: c.7091G>A on transcript NM_005876.5 (MANE Select); coding-DNA position 7091, G replaced by A.
Protein change: p.Arg2364His; replaces arginine 2364 with histidine.
Molecular consequence: missense variant.
Genome position (GRCh38, 1-based): chr2:219,484,554, G>A. VCF-style: chr2-219484554-G-A. GRCh37 (hg19) VCF-style: chr2-220349276-G-A.
Other names: short protein forms R2364H.
Identifiers: ClinVar variation 4766527 (VCV004766527.1).

ClinVar aggregate classification (germline): Uncertain significance (1 of 4 stars; one submission).

gnomAD v4.1: 4 of 1,589,630 alleles (0.00025%); highest among the groups gnomAD compares: African/African-American, 0.0013%; no homozygotes.

Submission:

Labcorp Genetics (formerly Invitae), Labcorp
Classification: Uncertain significance. Last evaluated: 2025-05-27. Review status: criteria provided, single submitter. Criteria: Invitae Variant Classification Sherloc (09022015). Collection method: clinical testing. Allele origin: germline.
Comment: This sequence change replaces arginine, which is basic and polar, with histidine, which is basic and polar, at codon 2364 of the SPEG protein (p.Arg2364His). This variant is not present in population databases (gnomAD no frequency). This variant has not been reported in the literature in individuals affected with SPEG-related conditions. An algorithm developed to predict the effect of missense changes on protein structure and function (PolyPhen-2) suggests that this variant is likely to be disruptive. In summary, the available evidence is currently insufficient to determine the role of this variant in disease. Therefore, it has been classified as a Variant of Uncertain Significance.